The following is an entry in ClinVar:

NM_007294.4(BRCA1):c.5046A>C (p.Glu1682Asp)

Gene: BRCA1 (BRCA1 DNA repair associated; minus strand). Cytogenetic location: 17q21.31.
Variant type: single nucleotide variant.
Coding change: c.5046A>C on transcript NM_007294.4 (MANE Select); coding-DNA position 5046, A replaced by C.
Protein change: p.Glu1682Asp; replaces glutamic acid 1682 with aspartic acid.
Molecular consequence: missense variant. On other transcripts: non-coding transcript variant (1).
Genome position (GRCh38, 1-based): chr17:43,067,636, T>G on the plus strand (A>C on the coding strand, the complement: BRCA1 is on the minus strand). VCF-style: chr17-43067636-T-G. GRCh37 (hg19) VCF-style: chr17-41219653-T-G.
Other names: c.4833A>C, p.Glu1611Asp (NM_001407571.1, NM_001407897.1, NM_001407898.1 and 12 more transcripts); c.5112A>C, p.Glu1704Asp (NM_001407581.1, NM_001407582.1); c.5109A>C, p.Glu1703Asp (NM_001407583.1, NM_001407585.1, NM_001407587.1 and 1 more transcripts); c.5106A>C, p.Glu1702Asp (NM_001407590.1, NM_001407591.1); c.5046A>C, p.Glu1682Asp (NM_001407593.1, NM_001407594.1, NM_001407596.1 and 8 more transcripts); c.5043A>C, p.Glu1681Asp (NM_001407610.1, NM_001407611.1, NM_001407612.1 and 17 more transcripts); c.5040A>C, p.Glu1680Asp (NM_001407627.1, NM_001407628.1, NM_001407629.1 and 14 more transcripts); c.5034A>C, p.Glu1678Asp (NM_001407646.1); and 70 more; short protein forms E1703D, E1635D, E1682D, E578D, E512D, E532D, E537D, E540D.
Identifiers: ClinVar variation 867570 (VCV000867570.3), dbSNP rs2052167113, ClinGen allele CA10591427.

Conditions:
Breast-ovarian cancer, familial, susceptibility to, 1 (BROVCA1). Also called: BRCA1 Hereditary Breast and Ovarian Cancer; OVARIAN CANCER, SUSCEPTIBILITY TO. Identifiers: Orphanet 145, MedGen C2676676, MONDO:0011450, OMIM 604370. Disease mechanism: loss of function.

Submission:

Brotman Baty Institute, University of Washington
No classification provided (evidence only). Condition: Breast-ovarian cancer, familial 1. Review status: no classification provided. Collection method: in vitro. Allele origin: not applicable. Functional consequence: functionally_normal.
ClinVar note: "not provided" was previously submitted as the classification for the variant. However, the classification appeared to be based only on an observation of functional data so it was converted to no classification on 2025-07-30.